The following is an entry in ClinVar:

ClinVar aggregate classification (germline): Pathogenic (1 of 4 stars; one submission).

Conditions:
SHH-related disorder. Also called: SHH-related condition; SHH-related disorders.

Submission:

PreventionGenetics, part of Exact Sciences
Classification: Pathogenic for SHH-related condition. Last evaluated: 2025-04-15. Review status: criteria provided, single submitter. Criteria: ACMG Guidelines, 2015. Collection method: clinical testing. Allele origin: germline.
Comment: The SHH c.759C>A variant is predicted to result in premature protein termination (p.Tyr253*). To our knowledge, this variant has not been reported in the literature or in a large population database, indicating this variant is rare. Nonsense variants in SHH are expected to be pathogenic. This variant is interpreted as pathogenic.

NM_000193.4(SHH):c.759C>A (p.Tyr253Ter)

Gene: SHH (sonic hedgehog signaling molecule; minus strand). Cytogenetic location: 7q36.3.
Variant type: single nucleotide variant.
Coding change: c.759C>A on transcript NM_000193.4 (MANE Select); coding-DNA position 759, C replaced by A.
Protein change: p.Tyr253Ter; replaces tyrosine 253 with a stop codon.
Molecular consequence: nonsense. On other transcripts: intron variant (1).
Genome position (GRCh38, 1-based): chr7:155,803,530, G>T on the plus strand (C>A on the coding strand, the complement: SHH is on the minus strand). VCF-style: chr7-155803530-G-T. GRCh37 (hg19) VCF-style: chr7-155596224-G-T.
Other names: c.301+2766C>A (NM_001310462.2); short protein forms Y253*.
Identifiers: ClinVar variation 4987725 (VCV004987725.1).
Genomic context (GRCh38, chr7:155,803,530, plus strand): 5'-AAAGAGCAGGTGCGCGGCGGTGAGCAGCAGGCGCTCGCGCGGCTCCCGCGTCTCGATCAC[G>T]TAGAAGACCTTCTTGGCGCCGTCGTCGCGGTCCAGGAAAGTGAGGAAGTCGCTGTAGAGC-3'